The following is an entry in ClinVar:

ClinVar aggregate classification (germline): Uncertain significance. Review status: criteria provided, multiple submitters, no conflicts (2 of 4 stars). 2 submissions from 2 submitters: Uncertain significance (2). Last evaluated 2024-10-16.

Conditions:
Inborn genetic diseases. Identifiers: MedGen C0950123, MeSH D030342.

Submissions (2):

Ambry Genetics
Classification: Uncertain significance for Inborn genetic diseases. Last evaluated: 2024-10-16. Review status: criteria provided, single submitter. Criteria: Ambry Variant Classification Scheme 2023. Collection method: clinical testing. Allele origin: germline.

Labcorp Genetics (formerly Invitae), Labcorp
Classification: Uncertain significance. Last evaluated: 2024-05-19. Review status: criteria provided, single submitter. Criteria: Invitae Variant Classification Sherloc (09022015). Collection method: clinical testing. Allele origin: germline.
Comment: This sequence change replaces valine, which is neutral and non-polar, with isoleucine, which is neutral and non-polar, at codon 271 of the ARMC9 protein (p.Val271Ile). This variant is not present in population databases (gnomAD no frequency). This variant has not been reported in the literature in individuals affected with ARMC9-related conditions. Algorithms developed to predict the effect of missense changes on protein structure and function output the following: SIFT: "Not Available"; PolyPhen-2: "Not Available"; Align-GVGD: "Not Available". The isoleucine amino acid residue is found in multiple mammalian species, which suggests that this missense change does not adversely affect protein function. In summary, the available evidence is currently insufficient to determine the role of this variant in disease. Therefore, it has been classified as a Variant of Uncertain Significance.

NM_001352754.2(ARMC9):c.811G>A (p.Val271Ile)

Gene: ARMC9 (armadillo repeat containing 9; plus strand). Cytogenetic location: 2q37.1.
Variant type: single nucleotide variant.
Coding change: c.811G>A on transcript NM_001352754.2 (MANE Select); coding-DNA position 811, G replaced by A.
Protein change: p.Val271Ile; replaces valine 271 with isoleucine.
Molecular consequence: missense variant. On other transcripts: intron variant (2), non-coding transcript variant (1).
Genome position (GRCh38, 1-based): chr2:231,239,973, G>A. VCF-style: chr2-231239973-G-A. GRCh37 (hg19) VCF-style: chr2-232104686-G-A.
Other names: c.780+4592G>A (NM_001352758.2, NM_001352757.2); c.811G>A, p.Val271Ile (NM_001271466.4, NM_001291656.2, NM_001352755.2 and 3 more transcripts); short protein forms V271I.
Identifiers: ClinVar variation 3431148 (VCV003431148.3).